The following is an entry in ClinVar:

NM_017934.7(PHIP):c.4041_4043del (p.Leu1348del)

Genes: IRAK1BP1 (interleukin 1 receptor associated kinase 1 binding protein 1; plus strand), PHIP (PHIP subunit of CUL4-Ring ligase complex; minus strand). Cytogenetic location: 6q14.1.
Variant type: Deletion.
Coding change: c.4041_4043del on transcript NM_017934.7 (MANE Select); coding-DNA positions 4041 to 4043, 3 bases deleted (CCT; older notation c.4041_4043delCCT).
Protein change: p.Leu1348del; deletes leucine 1348.
Molecular consequence: inframe deletion.
Genome position (GRCh38, 1-based): chr6:78,954,824-78,954,826, AGG deleted on the plus strand (CCT on the coding strand, the reverse complement: PHIP is on the minus strand); deleting any 3 consecutive bases within chr6:78,954,824-78,954,828 gives the same sequence; the c. name uses the placement nearest the transcript's 3' end. VCF-style (leftmost placement, unchanged base first): chr6-78954823-AAGG-A. GRCh37 (hg19) VCF-style: chr6-79664540-AAGG-A.
Other names: short protein forms L1348del.
Identifiers: ClinVar variation 5008896 (VCV005008896.1).

ClinVar aggregate classification (germline): Uncertain significance (1 of 4 stars; one submission).

Submission:

GeneDx
Classification: Uncertain significance. Last evaluated: 2026-03-12. Review status: criteria provided, single submitter. Criteria: GeneDx Variant Classification Process June 2021. Collection method: clinical testing. Allele origin: germline.
Comment: In-frame deletion of 1 amino acid(s) in a non-repeat region; Not observed at significant frequency in large population cohorts (gnomAD); In silico analysis supports a deleterious effect on protein structure/function; Has not been previously published as pathogenic or benign to our knowledge